The following is an entry in ClinVar:

NM_001375.3(DNASE2):c.435C>T (p.Ser145=)

Gene: DNASE2 (deoxyribonuclease 2, lysosomal; minus strand). Cytogenetic location: 19p13.13.
Variant type: single nucleotide variant.
Coding change: c.435C>T on transcript NM_001375.3 (MANE Select); coding-DNA position 435, C replaced by T.
Protein change: p.Ser145=; no amino-acid change (serine 145 retained).
Molecular consequence: synonymous variant.
Genome position (GRCh38, 1-based): chr19:12,878,746, G>A on the plus strand (C>T on the coding strand, the complement: DNASE2 is on the minus strand). VCF-style: chr19-12878746-G-A. GRCh37 (hg19) VCF-style: chr19-12989560-G-A.
Other names: p.Ser145=.
Identifiers: ClinVar variation 1168081 (VCV001168081.15), dbSNP rs2293682, ClinGen allele CA9233789.

ClinVar aggregate classification (germline): Benign. Review status: criteria provided, multiple submitters, no conflicts (2 of 4 stars). 6 submissions from 6 submitters: Benign (6). Last evaluated 2026-02-04.

Allele frequency attached by ClinVar (database versions not stated): ESP Exome Variant Server 0.24012; gnomAD 0.26707 and 0.27727; TOPMed 0.26767; 1000 Genomes Project 30x 0.36587; 1000 Genomes Project 0.37081.
gnomAD v4.1: 429,671 of 1,613,616 alleles (27%); highest among the groups gnomAD compares: East Asian, 66%; 63,696 homozygotes.

Submissions (6):

Labcorp Genetics (formerly Invitae), Labcorp
Classification: Benign. Last evaluated: 2026-02-04. Review status: criteria provided, single submitter. Criteria: Invitae Variant Classification Sherloc (09022015). Collection method: clinical testing. Allele origin: germline.

Women's Health and Genetics/Laboratory Corporation of America, LabCorp
Classification: Benign. Last evaluated: 2026-01-21. Review status: criteria provided, single submitter. Criteria: LabCorp Variant Classification Summary - May 2015. Collection method: clinical testing. Allele origin: germline.

Blueprint Genetics
Classification: Benign. Last evaluated: 2024-11-28. Review status: criteria provided, single submitter. Criteria: ACMG Guidelines, 2015. Collection method: clinical testing. Allele origin: germline.

Unidad de Genómica Garrahan, Hospital de Pediatría Garrahan
Classification: Benign. Last evaluated: 2024-01-24. Review status: criteria provided, single submitter. Criteria: ACMG Guidelines, 2015. Collection method: clinical testing. Allele origin: germline. Affected: no. Observed: 44 variant alleles.
Comment: This variant is classified as Benign based on local population frequency. This variant was detected in 46% of patients studied by a panel of primary immunodeficiencies. Number of patients: 44. Only high quality variants are reported.

Mayo Clinic Laboratories, Mayo Clinic
Classification: Benign. Last evaluated: 2022-09-06. Review status: criteria provided, single submitter. Criteria: ACMG Guidelines, 2015. Collection method: clinical testing. Allele origin: germline. Observed: 198 variant alleles.

Breakthrough Genomics
Classification: Benign. Review status: criteria provided, single submitter. Criteria: ACMG Guidelines, 2015. Collection method: not provided. Allele origin: germline. Inheritance: Autosomal recessive inheritance. Affected: yes.